The following is an entry in ClinVar:

NM_000751.3(CHRND):c.492C>G (p.Asn164Lys)

Gene: CHRND (cholinergic receptor nicotinic delta subunit; plus strand). Cytogenetic location: 2q37.1.
Variant type: single nucleotide variant.
Coding change: c.492C>G on transcript NM_000751.3 (MANE Select); coding-DNA position 492, C replaced by G.
Protein change: p.Asn164Lys; replaces asparagine 164 with lysine.
Molecular consequence: missense variant.
Genome position (GRCh38, 1-based): chr2:232,528,639, C>G. VCF-style: chr2-232528639-C-G. GRCh37 (hg19) VCF-style: chr2-233393349-C-G.
Other names: c.447C>G, p.Asn149Lys (NM_001256657.2); c.221C>G, p.Thr74Ser (NM_001311195.2); c.189C>G, p.Asn63Lys (NM_001311196.2); short protein forms N149K, N164K, N63K, T74S.
Identifiers: ClinVar variation 2809513 (VCV002809513.3), dbSNP rs2469719386, ClinGen allele CA350998551.

ClinVar aggregate classification (germline): Uncertain significance (1 of 4 stars; one submission).

Conditions:
Lethal multiple pterygium syndrome (LMPS). Identifiers: Orphanet 33108, MedGen C1854678, MONDO:0009668, OMIM 253290.

gnomAD v4.1: 3 of 1,614,106 alleles (0.00019%); highest among the groups gnomAD compares: Non-Finnish European, 0.00025%; no homozygotes.

Submission:

Labcorp Genetics (formerly Invitae), Labcorp
Classification: Uncertain significance for Lethal multiple pterygium syndrome. Last evaluated: 2022-10-25. Review status: criteria provided, single submitter. Criteria: Invitae Variant Classification Sherloc (09022015). Collection method: clinical testing. Allele origin: germline.
Comment: This sequence change replaces asparagine, which is neutral and polar, with lysine, which is basic and polar, at codon 164 of the CHRND protein (p.Asn164Lys). This variant is not present in population databases (gnomAD no frequency). This variant has not been reported in the literature in individuals affected with CHRND-related conditions. Advanced modeling of protein sequence and biophysical properties (such as structural, functional, and spatial information, amino acid conservation, physicochemical variation, residue mobility, and thermodynamic stability) performed at Invitae indicates that this missense variant is not expected to disrupt CHRND protein function. In summary, the available evidence is currently insufficient to determine the role of this variant in disease. Therefore, it has been classified as a Variant of Uncertain Significance.